The following is an entry in ClinVar:

ClinVar aggregate classification (germline): Likely benign (0 of 4 stars; one submission).

Conditions:
RPL35-related disorder. Also called: RPL35-related condition.

Allele frequency attached by ClinVar (database versions not stated): ExAC 0.00040; 1000 Genomes Project 0.00120; 1000 Genomes Project 30x 0.00125; ESP Exome Variant Server 0.00161.
gnomAD v4.1: 367 of 1,611,818 alleles (0.023%); highest among the groups gnomAD compares: African/African-American, 0.44%; 3 homozygotes.

Submission:

PreventionGenetics, part of Exact Sciences
Classification: Likely benign for RPL35-related condition. Last evaluated: 2019-11-26. Review status: no assertion criteria provided. Collection method: clinical testing. Allele origin: germline.
Comment: This variant is classified as likely benign based on ACMG/AMP sequence variant interpretation guidelines (Richards et al. 2015 PMID: 25741868, with internal and published modifications).

NM_007209.4(RPL35):c.*9T>G

Gene: RPL35 (ribosomal protein L35; minus strand). Cytogenetic location: 9q33.3.
Variant type: single nucleotide variant.
Coding change: c.*9T>G on transcript NM_007209.4 (MANE Select); 9 bases downstream of the stop codon, T replaced by G.
Molecular consequence: 3 prime UTR variant.
Genome position (GRCh38, 1-based): chr9:124,857,909, A>C on the plus strand (T>G on the coding strand, the complement: RPL35 is on the minus strand). VCF-style: chr9-124857909-A-C. GRCh37 (hg19) VCF-style: chr9-127620188-A-C.
Identifiers: ClinVar variation 3048601 (VCV003048601.2), dbSNP rs201791005, ClinGen allele CA5237155.
Genomic context (GRCh38, chr9:124,857,909, plus strand): 5'-ACCCAATCAGTGGAAGTGCCAGGAAACAAAGCAGTCTCAGCCAGCTGTGCTTTATTGACA[A>C]TGCGCCCCTCAGGCCTTGACCGCGTACTTCCGCAGCGGGTACAGCCGCTCCTTCCGCTGC-3'